The following is an entry in ClinVar:

ClinVar aggregate classification (germline): Conflicting classifications of pathogenicity. Review status: criteria provided, conflicting classifications (1 of 4 stars). 2 submissions from 2 submitters: Uncertain significance (1); Likely benign (1). Last evaluated 2023-02-16.

Allele frequency attached by ClinVar (database versions not stated): gnomAD exomes below 0.00001; ExAC 0.00001; TOPMed 0.00001.
gnomAD v4.1: 1 of 1,613,854 alleles (0.000062%); highest among the groups gnomAD compares: Non-Finnish European, 0.000085%; no homozygotes.

Submissions (2):

Labcorp Genetics (formerly Invitae), Labcorp
Classification: Uncertain significance. Last evaluated: 2023-02-16. Review status: criteria provided, single submitter. Criteria: Invitae Variant Classification Sherloc (09022015). Collection method: clinical testing. Allele origin: germline.
Comment: Experimental studies and prediction algorithms are not available or were not evaluated, and the effect of this variant on mRNA splicing is currently unknown. In summary, the available evidence is currently insufficient to determine the role of this variant in disease. Therefore, it has been classified as a Variant of Uncertain Significance. This variant has not been reported in the literature in individuals affected with IKZF1-related conditions. This variant is present in population databases (rs747487399, gnomAD 0.0009%). This sequence change affects codon 151 of the IKZF1 mRNA. It is a 'silent' change, meaning that it does not change the encoded amino acid sequence of the IKZF1 protein.

Blueprint Genetics
Classification: Likely benign. Last evaluated: 2023-01-13. Review status: criteria provided, single submitter. Criteria: ACMG Guidelines, 2015. Collection method: clinical testing. Allele origin: germline.

NM_006060.6(IKZF1):c.453G>A (p.Gly151=)

Gene: IKZF1 (IKAROS family zinc finger 1; plus strand). Cytogenetic location: 7p12.2.
Variant type: single nucleotide variant.
Coding change: c.453G>A on transcript NM_006060.6 (MANE Select); coding-DNA position 453, G replaced by A.
Protein change: p.Gly151=; no amino-acid change (glycine 151 retained).
Molecular consequence: synonymous variant. On other transcripts: intron variant (6).
Genome position (GRCh38, 1-based): chr7:50,382,571, G>A. VCF-style: chr7-50382571-G-A. GRCh37 (hg19) VCF-style: chr7-50450269-G-A.
Other names: c.453G>A, p.Gly151= (NM_001220765.3, NM_001220768.2, NM_001291837.2); c.192G>A, p.Gly64= (NM_001220767.2, NM_001220770.2, NM_001291838.2 and 1 more transcripts); c.513G>A, p.Gly171= (NM_001410879.1); c.421+5778G>A (NM_001220771.2); c.161-4774G>A (NM_001291841.1, NM_001291842.1); c.161-9158G>A (NM_001291843.1, NM_001291844.1); c.161-17347G>A (NM_001291840.1).
Identifiers: ClinVar variation 2782709 (VCV002782709.4), dbSNP rs747487399, ClinGen allele CA4261307.
Genomic context (GRCh38, chr7:50,382,571, plus strand): 5'-TCTCACCAGCTCTCCTCTCTCCGTCCCAGGAGAACGGCCCTTCCAGTGCAATCAGTGCGG[G>A]GCCTCATTCACCCAGAAGGGCAACCTGCTCCGGCACATCAAGCTGCATTCCGGGGAGAAG-3'
Protein context (NP_006051.1, residues 141-161): GERPFQCNQC[Gly151=]ASFTQKGNLL